The following is an entry in ClinVar:

ClinVar aggregate classification (germline): Uncertain significance. Review status: criteria provided, multiple submitters, no conflicts (2 of 4 stars). 4 submissions from 4 submitters: Uncertain significance (4). Last evaluated 2025-12-19.

Conditions:
Inborn genetic diseases. Identifiers: MedGen C0950123, MeSH D030342.
AIRE-related disorder. Also called: AIRE-related condition.
Polyglandular autoimmune syndrome, type 1 (APS1). Also called: Autoimmune polyendocrine syndrome type 1; HYPOADRENOCORTICISM WITH HYPOPARATHYROIDISM AND SUPERFICIAL MONILIASIS; Autoimmune polyendocrinopathy syndrome, type I; AUTOIMMUNE POLYENDOCRINE SYNDROME, TYPE I, WITH OR WITHOUT REVERSIBLE METAPHYSEAL DYSPLASIA; APS I; PGA I. Identifiers: Orphanet 3453, MedGen C0085859, MONDO:0009411, OMIM 240300.

Allele frequency attached by ClinVar (database versions not stated): ExAC 0.00002; gnomAD 0.00005 and 0.00006; gnomAD exomes 0.00005 and 0.00006; ESP Exome Variant Server 0.00008.
gnomAD v4.1: 78 of 1,612,390 alleles (0.0048%); highest among the groups gnomAD compares: Admixed American, 0.023%; no homozygotes.

Submissions (4):

PreventionGenetics, part of Exact Sciences
Classification: Uncertain significance for AIRE-related condition. Last evaluated: 2025-12-19. Review status: criteria provided, single submitter. Criteria: ACMG Guidelines, 2015. Collection method: clinical testing. Allele origin: germline.
Comment: The AIRE c.608G>A variant is predicted to result in the amino acid substitution p.Arg203Gln. To our knowledge, this variant has not been reported in the literature. This variant is reported in 0.028% of alleles in individuals of Latino descent in gnomAD. At this time, the clinical significance of this variant is uncertain due to the absence of conclusive functional and genetic evidence.

Ambry Genetics
Classification: Uncertain significance for Inborn genetic diseases. Last evaluated: 2025-08-21. Review status: criteria provided, single submitter. Criteria: Ambry Variant Classification Scheme 2023. Collection method: clinical testing. Allele origin: germline.

Labcorp Genetics (formerly Invitae), Labcorp
Classification: Uncertain significance for Polyglandular autoimmune syndrome, type 1. Last evaluated: 2024-12-12. Review status: criteria provided, single submitter. Criteria: Invitae Variant Classification Sherloc (09022015). Collection method: clinical testing. Allele origin: germline.
Comment: This sequence change replaces arginine, which is basic and polar, with glutamine, which is neutral and polar, at codon 203 of the AIRE protein (p.Arg203Gln). This variant is present in population databases (rs200359179, gnomAD 0.03%). This variant has not been reported in the literature in individuals affected with AIRE-related conditions. ClinVar contains an entry for this variant (Variation ID: 1384246). Invitae Evidence Modeling of protein sequence and biophysical properties (such as structural, functional, and spatial information, amino acid conservation, physicochemical variation, residue mobility, and thermodynamic stability) indicates that this missense variant is not expected to disrupt AIRE protein function with a negative predictive value of 95%. In summary, the available evidence is currently insufficient to determine the role of this variant in disease. Therefore, it has been classified as a Variant of Uncertain Significance.

Fulgent Genetics
Classification: Uncertain significance for Polyglandular autoimmune syndrome, type 1. Last evaluated: 2022-01-05. Review status: criteria provided, single submitter. Criteria: ACMG Guidelines, 2015. Collection method: clinical testing. Allele origin: unknown.

NM_000383.4(AIRE):c.608G>A (p.Arg203Gln)

Gene: AIRE (autoimmune regulator; plus strand). Cytogenetic location: 21q22.3.
Variant type: single nucleotide variant.
Coding change: c.608G>A on transcript NM_000383.4 (MANE Select); coding-DNA position 608, G replaced by A.
Protein change: p.Arg203Gln; replaces arginine 203 with glutamine.
Molecular consequence: missense variant.
Genome position (GRCh38, 1-based): chr21:44,288,414, G>A. VCF-style: chr21-44288414-G-A. GRCh37 (hg19) VCF-style: chr21-45708297-G-A.
Other names: c.608G>A (NM_000383.2, NM_000383.3); short protein forms R203Q.
Identifiers: ClinVar variation 1384246 (VCV001384246.7), dbSNP rs200359179, ClinGen allele CA10051640.